The following is an entry in ClinVar:

NM_000059.4(BRCA2):c.3656T>C (p.Phe1219Ser)

Gene: BRCA2 (BRCA2 DNA repair associated; plus strand). Cytogenetic location: 13q13.1.
Variant type: single nucleotide variant.
Coding change: c.3656T>C on transcript NM_000059.4 (MANE Select); coding-DNA position 3656, T replaced by C.
Protein change: p.Phe1219Ser; replaces phenylalanine 1219 with serine.
Molecular consequence: missense variant.
Genome position (GRCh38, 1-based): chr13:32,338,011, T>C. VCF-style: chr13-32338011-T-C. GRCh37 (hg19) VCF-style: chr13-32912148-T-C.
Other names: short protein forms F1219S.
Identifiers: ClinVar variation 491251 (VCV000491251.17), dbSNP rs1555283341, ClinGen allele CA387777964.

ClinVar aggregate classification (germline): Conflicting classifications of pathogenicity. Review status: criteria provided, conflicting classifications (1 of 4 stars). 5 submissions from 5 submitters: Uncertain significance (4); Likely benign (1). Last evaluated 2024-10-17.

Conditions:
Hereditary breast ovarian cancer syndrome. Also called: Hereditary breast and/or ovarian cancer syndrome; BRCA1- and BRCA2-Associated Hereditary Breast and Ovarian Cancer; Breast and ovarian cancer; Hereditary breast and ovarian cancer; Hereditary breast and ovarian cancer syndrome; Hereditary breast and ovarian cancer syndrome (HBOC). Identifiers: Orphanet 145, MedGen C0677776, MeSH D061325, MONDO:0003582. Disease mechanism: loss of function.
Hereditary cancer-predisposing syndrome. Also called: Hereditary neoplastic syndrome; Tumor predisposition; Hereditary Cancer Syndrome; Neoplastic Syndromes, Hereditary. Identifiers: Orphanet 140162, MedGen C0027672, MeSH D009386, MONDO:0015356.
Familial cancer of breast. Also called: Hereditary breast cancer; hereditary breast carcinoma; BREAST CANCER, FAMILIAL. Identifiers: Orphanet 227535, MedGen C0346153, MONDO:0016419, OMIM 114480. Disease mechanism: loss of function.

Submissions (5):

Ambry Genetics
Classification: Uncertain significance for Hereditary cancer-predisposing syndrome. Last evaluated: 2024-10-17. Review status: criteria provided, single submitter. Criteria: Ambry Variant Classification Scheme 2023. Collection method: clinical testing. Allele origin: germline.
Comment: The p.F1219S variant (also known as c.3656T>C), located in coding exon 10 of the BRCA2 gene, results from a T to C substitution at nucleotide position 3656. The phenylalanine at codon 1219 is replaced by serine, an amino acid with highly dissimilar properties. This variant was reported in 1 of 701 Brazilian individuals with features consistent with a hereditary breast and/or ovarian cancer syndrome (Faria JP et al. Breast Cancer Res Treat, 2024 Oct;207:615-624). This amino acid position is highly conserved in available vertebrate species. In addition, this alteration is predicted to be deleterious by in silico analysis. Based on the available evidence, the clinical significance of this variant remains unclear.

Labcorp Genetics (formerly Invitae), Labcorp
Classification: Uncertain significance for Hereditary breast ovarian cancer syndrome. Last evaluated: 2024-04-07. Review status: criteria provided, single submitter. Criteria: Invitae Variant Classification Sherloc (09022015). Collection method: clinical testing. Allele origin: germline.
Comment: This sequence change replaces phenylalanine, which is neutral and non-polar, with serine, which is neutral and polar, at codon 1219 of the BRCA2 protein (p.Phe1219Ser). This variant is not present in population databases (gnomAD no frequency). This variant has not been reported in the literature in individuals affected with BRCA2-related conditions. ClinVar contains an entry for this variant (Variation ID: 491251). Advanced modeling of protein sequence and biophysical properties (such as structural, functional, and spatial information, amino acid conservation, physicochemical variation, residue mobility, and thermodynamic stability) has been performed at Invitae for this missense variant, however the output from this modeling did not meet the statistical confidence thresholds required to predict the impact of this variant on BRCA2 protein function. In summary, the available evidence is currently insufficient to determine the role of this variant in disease. Therefore, it has been classified as a Variant of Uncertain Significance.

Color Diagnostics, LLC DBA Color Health
Classification: Uncertain significance for Hereditary cancer-predisposing syndrome. Last evaluated: 2023-12-05. Review status: criteria provided, single submitter. Criteria: ACMG Guidelines, 2015. Collection method: clinical testing. Allele origin: germline.
Comment: This missense variant replaces phenylalanine with serine at codon 1219 of the BRCA2 protein. Computational prediction suggests that this variant may have deleterious impact on protein structure and function (internally defined REVEL score threshold >= 0.7, PMID: 27666373). To our knowledge, functional studies have not been reported for this variant. This variant has not been reported in individuals affected with BRCA2-related disorders in the literature. This variant has not been identified in the general population by the Genome Aggregation Database (gnomAD). The available evidence is insufficient to determine the role of this variant in disease conclusively. Therefore, this variant is classified as a Variant of Uncertain Significance.

University of Washington Department of Laboratory Medicine, University of Washington
Classification: Likely benign for Hereditary cancer-predisposing syndrome. Last evaluated: 2023-03-23. Review status: criteria provided, single submitter. Criteria: Dines et al. (Genet Med. 2020). Collection method: curation. Allele origin: germline.
Comment: Missense variant in a coldspot region where missense variants are very unlikely to be pathogenic (PMID:31911673).

BRCA2 exon 11 coldspot. Reclassification based on statistical prior probability.

Baylor Genetics
Classification: Uncertain significance for Familial cancer of breast. Last evaluated: 2021-06-22. Review status: criteria provided, single submitter. Criteria: ACMG Guidelines, 2015. Collection method: clinical testing. Allele origin: unknown.

Literature cited by the submitters: PubMed 38874686 (cited by Ambry Genetics).